The following is an entry in ClinVar:

NM_001127208.3(TET2):c.218G>T (p.Arg73Leu)

Genes: TET2 (tet methylcytosine dioxygenase 2; plus strand), TET2-AS1 (TET2 antisense RNA 1; minus strand). Cytogenetic location: 4q24.
Variant type: single nucleotide variant.
Coding change: c.218G>T on transcript NM_001127208.3 (MANE Select); coding-DNA position 218, G replaced by T.
Protein change: p.Arg73Leu; replaces arginine 73 with leucine.
Molecular consequence: missense variant.
Genome position (GRCh38, 1-based): chr4:105,234,160, G>T. VCF-style: chr4-105234160-G-T. GRCh37 (hg19) VCF-style: chr4-106155317-G-T.
Other names: c.218G>T, p.Arg73Leu (NM_017628.4); short protein forms R73L.
Identifiers: ClinVar variation 3806072 (VCV003806072.1).

ClinVar aggregate classification (germline): Uncertain significance (1 of 4 stars; one submission).

gnomAD v4.1: 2 of 1,614,146 alleles (0.00012%); highest among the groups gnomAD compares: Non-Finnish European, 0.00017%; no homozygotes.

Submission:

Ambry Genetics
Classification: Uncertain significance. Last evaluated: 2025-02-18. Review status: criteria provided, single submitter. Criteria: Ambry Variant Classification Scheme 2023. Collection method: clinical testing. Allele origin: germline.
Comment: The p.R73L variant (also known as c.218G>T), located in coding exon 1 of the TET2 gene, results from a G to T substitution at nucleotide position 218. The arginine at codon 73 is replaced by leucine, an amino acid with dissimilar properties. This amino acid position is conserved. In addition, this alteration is predicted to be tolerated by in silico analysis. Based on the available evidence, the clinical significance of this variant remains unclear.